The following is an entry in ClinVar:

NM_001206927.2(DNAH8):c.8353C>T (p.Leu2785Phe)

Gene: DNAH8 (dynein axonemal heavy chain 8; plus strand). Cytogenetic location: 6p21.2.
Variant type: single nucleotide variant.
Coding change: c.8353C>T on transcript NM_001206927.2 (MANE Select); coding-DNA position 8353, C replaced by T.
Protein change: p.Leu2785Phe; replaces leucine 2785 with phenylalanine.
Molecular consequence: missense variant.
Genome position (GRCh38, 1-based): chr6:38,886,884, C>T. VCF-style: chr6-38886884-C-T. GRCh37 (hg19) VCF-style: chr6-38854660-C-T.
Other names: c.8353C>T (NM_001206927.1); c.7702C>T, p.Leu2568Phe (NM_001371.4); short protein forms L2785F, L2568F.
Identifiers: ClinVar variation 2137562 (VCV002137562.5), dbSNP rs151260543, ClinGen allele CA3790165.

ClinVar aggregate classification (germline): Uncertain significance. Review status: criteria provided, multiple submitters, no conflicts (2 of 4 stars). 2 submissions from 2 submitters: Uncertain significance (2). Last evaluated 2024-11-25.

Conditions:
Primary ciliary dyskinesia. Also called: Ciliary dyskinesia. Identifiers: Orphanet 244, MedGen C0008780, MONDO:0016575, HP:0012265.

Allele frequency attached by ClinVar (database versions not stated): gnomAD exomes 0.00001; ExAC 0.00002; gnomAD 0.00003; TOPMed 0.00003; ESP Exome Variant Server 0.00015.
gnomAD v4.1: 14 of 1,613,838 alleles (0.00087%); highest among the groups gnomAD compares: African/African-American, 0.008%; no homozygotes.

Submissions (2):

Ambry Genetics
Classification: Uncertain significance. Last evaluated: 2024-11-25. Review status: criteria provided, single submitter. Criteria: Ambry Variant Classification Scheme 2023. Collection method: clinical testing. Allele origin: germline.

Labcorp Genetics (formerly Invitae), Labcorp
Classification: Uncertain significance for Primary ciliary dyskinesia. Last evaluated: 2022-06-05. Review status: criteria provided, single submitter. Criteria: Invitae Variant Classification Sherloc (09022015). Collection method: clinical testing. Allele origin: germline.
Comment: This sequence change replaces leucine, which is neutral and non-polar, with phenylalanine, which is neutral and non-polar, at codon 2785 of the DNAH8 protein (p.Leu2785Phe). This variant is present in population databases (rs151260543, gnomAD 0.02%). This variant has not been reported in the literature in individuals affected with DNAH8-related conditions. Algorithms developed to predict the effect of missense changes on protein structure and function are either unavailable or do not agree on the potential impact of this missense change (SIFT: "Tolerated"; PolyPhen-2: "Not Available"; Align-GVGD: "Class C0"). In summary, the available evidence is currently insufficient to determine the role of this variant in disease. Therefore, it has been classified as a Variant of Uncertain Significance.